The following is an entry in ClinVar:

NM_004525.3(LRP2):c.9623A>G (p.Tyr3208Cys)

Gene: LRP2 (LDL receptor related protein 2; minus strand). Cytogenetic location: 2q31.1.
Variant type: single nucleotide variant.
Coding change: c.9623A>G on transcript NM_004525.3 (MANE Select); coding-DNA position 9623, A replaced by G.
Protein change: p.Tyr3208Cys; replaces tyrosine 3208 with cysteine.
Molecular consequence: missense variant.
Genome position (GRCh38, 1-based): chr2:169,185,725, T>C on the plus strand (A>G on the coding strand, the complement: LRP2 is on the minus strand). VCF-style: chr2-169185725-T-C. GRCh37 (hg19) VCF-style: chr2-170042235-T-C.
Other names: short protein forms Y3208C.
Identifiers: ClinVar variation 3391380 (VCV003391380.1).
Genomic context (GRCh38, chr2:169,185,725, plus strand): 5'-TTGTCCAGTCCTTCCAAGATGAGGGAGTAAAAATAGCCATCTATAGTTAAATTTCTCAAA[T>C]AGTAACGGTTGCTAAAAATGAGATAGGGTTCGATGTTACTGTTTTGCCGGCAGGTCTTTC-3'
Protein context (NP_004516.2, residues 3198-3218): EPYLIFSNRY[Tyr3208Cys]LRNLTIDGYF

ClinVar aggregate classification (germline): Uncertain significance (1 of 4 stars; one submission).

Conditions:
Donnai-Barrow syndrome. Also called: DBS/FOAR SYNDROME; FACIOOCULOACOUSTICORENAL SYNDROME. Identifiers: Orphanet 2143, MedGen C1857277, MONDO:0009104, OMIM 222448.

Submission:

Neuberg Centre For Genomic Medicine, NCGM
Classification: Uncertain significance for Donnai-Barrow syndrome. Review status: criteria provided, single submitter. Criteria: ACMG Guidelines, 2015. Collection method: clinical testing. Allele origin: germline. Inheritance: Autosomal recessive inheritance. Affected: yes.
Comment: The observed missense variant c.9623A>Gp.Tyr3208Cys in the LRP2 gene has not been reported previously as a pathogenic variant nor as a benign variant, to our knowledge. This variant is absent in the gnomAD Exomes. The amino acid Tyr at position 3208 is changed to a Cys changing protein sequence and it might alter its composition and physico- chemical properties. Multiple lines of computational evidence Polyphen - Probably damaging and MutationTaster - Disease causing predict a damaging effect on protein structure and function for this variant. The residue is conserved by GERP++ and PhyloP across 100 vertebrates. For these reasons, this variant has been classified as Uncertain Significance.